The following is an entry in ClinVar:

ClinVar aggregate classification (germline): Uncertain significance. Review status: criteria provided, multiple submitters, no conflicts (2 of 4 stars). 2 submissions from 2 submitters: Uncertain significance (2). Last evaluated 2024-07-26.

Conditions:
Hereditary cancer-predisposing syndrome. Also called: Neoplastic Syndromes, Hereditary; Tumor predisposition; Hereditary neoplastic syndrome; Hereditary Cancer Syndrome. Identifiers: Orphanet 140162, MedGen C0027672, MeSH D009386, MONDO:0015356.
Multiple endocrine neoplasia, type 2 (MEN2). Identifiers: Orphanet 653, MedGen C4048306, MONDO:0019003. Disease mechanism: gain of function.

Submissions (2):

Ambry Genetics
Classification: Uncertain significance for Hereditary cancer-predisposing syndrome. Last evaluated: 2024-07-26. Review status: criteria provided, single submitter. Criteria: Ambry Variant Classification Scheme 2023. Collection method: clinical testing. Allele origin: germline.
Comment: The p.D290E variant (also known as c.870C>G), located in coding exon 5 of the RET gene, results from a C to G substitution at nucleotide position 870. The aspartic acid at codon 290 is replaced by glutamic acid, an amino acid with highly similar properties. This amino acid position is conserved. In addition, this alteration is predicted to be tolerated by in silico analysis. Based on the available evidence, the clinical significance of this variant remains unclear.

Labcorp Genetics (formerly Invitae), Labcorp
Classification: Uncertain significance for Multiple endocrine neoplasia, type 2. Last evaluated: 2021-09-01. Review status: criteria provided, single submitter. Criteria: Invitae Variant Classification Sherloc (09022015). Collection method: clinical testing. Allele origin: germline.
Comment: This sequence change replaces aspartic acid with glutamic acid at codon 290 of the RET protein (p.Asp290Glu). The aspartic acid residue is weakly conserved and there is a small physicochemical difference between aspartic acid and glutamic acid. This variant is not present in population databases (ExAC no frequency). This variant has not been reported in the literature in individuals affected with RET-related conditions. Algorithms developed to predict the effect of missense changes on protein structure and function (SIFT, PolyPhen-2, Align-GVGD) all suggest that this variant is likely to be tolerated. In summary, the available evidence is currently insufficient to determine the role of this variant in disease. Therefore, it has been classified as a Variant of Uncertain Significance.

NM_020975.6(RET):c.870C>G (p.Asp290Glu)

Gene: RET (ret proto-oncogene; plus strand). Cytogenetic location: 10q11.21.
Variant type: single nucleotide variant.
Coding change: c.870C>G on transcript NM_020975.6 (MANE Select); coding-DNA position 870, C replaced by G.
Protein change: p.Asp290Glu; replaces aspartic acid 290 with glutamic acid.
Molecular consequence: missense variant.
Genome position (GRCh38, 1-based): chr10:43,106,378, C>G. VCF-style: chr10-43106378-C-G. GRCh37 (hg19) VCF-style: chr10-43601826-C-G.
Other names: c.870C>G, p.Asp290Glu (NM_000323.2, NM_001406743.1, NM_001406744.1 and 6 more transcripts); c.108C>G, p.Asp36Glu (NM_001355216.2); c.741C>G, p.Asp247Glu (NM_001406761.1, NM_001406762.1, NM_001406764.1 and 1 more transcripts); c.582C>G, p.Asp194Glu (NM_001406766.1, NM_001406767.1, NM_001406770.1); short protein forms D290E, D36E, D194E, D247E.
Identifiers: ClinVar variation 1386010 (VCV001386010.7), dbSNP rs2132718797, ClinGen allele CA376545618.
Genomic context (GRCh38, chr10:43,106,378, plus strand): 5'-TGGGGGGTCTGAGGGGCCCATCTCGCCTGCACTGACCAACGCCCTCTGCATCCTGCAGGA[C>G]ACCGTGGTGGCCACGCTGCGTGTCTTCGATGCAGACGTGGTACCTGCATCAGGGGAGCTG-3'
Protein context (NP_066124.1, residues 280-300): SAVVEFKRKE[Asp290Glu]TVVATLRVFD